The following is an entry in ClinVar:

NM_001904.4(CTNNB1):c.734+2T>G

Genes: CTNNB1 (catenin beta 1; plus strand), LOC126806658 (BRD4-independent group 4 enhancer GRCh37_chr3:41265899-41267098; plus strand). Cytogenetic location: 3p22.1.
Variant type: single nucleotide variant.
Coding change: c.734+2T>G on transcript NM_001904.4 (MANE Select); the canonical splice donor site of the intron after coding-DNA position 734, T replaced by G.
Molecular consequence: splice donor variant.
Genome position (GRCh38, 1-based): chr3:41,225,574, T>G. VCF-style: chr3-41225574-T-G. GRCh37 (hg19) VCF-style: chr3-41267065-T-G.
Other names: c.734+2T>G (NM_001438873.1, NM_001438872.1, NM_001438871.1 and 4 more transcripts); c.713+2T>G (NM_001330729.2).
Identifiers: ClinVar variation 4855061 (VCV004855061.1).
Genomic context (GRCh38, chr3:41,225,574, plus strand): 5'-GAGGGCTTACTGGCCATCTTTAAGTCTGGAGGCATTCCTGCCCTGGTGAAAATGCTTGGG[T>G]AAGAAAACATGTCAGAATGCTTGAAGCTAAAAAGTAGAAGAGTATACTCACAATATTTCT-3'

ClinVar aggregate classification (germline): Likely pathogenic (1 of 4 stars; one submission).

Conditions:
Severe intellectual disability-progressive spastic diplegia syndrome (NEDSDV). Also called: CTNNB1 Neurodevelopmental Disorder; NEURODEVELOPMENTAL DISORDER WITH SPASTIC DIPLEGIA AND VISUAL DEFECTS. Identifiers: Orphanet 404473, MedGen C3554449, MONDO:0014035, OMIM 615075.

Submission:

3billion
Classification: Likely pathogenic for Severe intellectual disability-progressive spastic diplegia syndrome. Last evaluated: 2025-08-04. Review status: criteria provided, single submitter. Criteria: ACMG Guidelines, 2015. Collection method: clinical testing. Allele origin: germline. Affected: yes.
Comment: The variant is not observed in the gnomAD v4.1.0 dataset. Predicted Consequence/Location: Canonical splice site: predicted to alter splicing and result in a loss or disruption of normal protein function. Multiple pathogenic loss-of-function variants are reported downstream of the variant. In silico tools predict the variant to alter splicing and produce an abnormal transcript [SpliceAI: 0.99 (spliceogenicity >=0.2, non-spliceogenicity <0.1)]. Therefore, this variant is classified as Likely pathogenic according to the recommendation of ACMG/AMP guideline.